The following is an entry in ClinVar:

ClinVar aggregate classification (germline): Uncertain significance (1 of 4 stars; one submission).

Conditions:
Amyotrophic lateral sclerosis (ALS). Also called: Charcot disease; Lou Gehrig disease. Identifiers: Orphanet 803, MedGen C0002736, MONDO:0004976, HP:0007354.

Allele frequency attached by ClinVar (database versions not stated): gnomAD exomes below 0.00001; TOPMed 0.00002; gnomAD 0.00005.
gnomAD v4.1: 13 of 1,561,532 alleles (0.00083%); highest among the groups gnomAD compares: Admixed American, 0.012%; 2 homozygotes.

Submission:

UM ALS/MND Lab, University Of Malta
Classification: Uncertain significance for Amyotrophic lateral sclerosis. Last evaluated: 2020-09-09. Review status: criteria provided, single submitter. Criteria: ACMG Guidelines, 2015. Collection method: case-control. Allele origin: unknown. Affected: yes. Observed: 1 variant allele.
Comment: Single heterozygote

NM_001199397.3(NEK1):c.107A>G (p.Asn36Ser)

Gene: NEK1 (NIMA related kinase 1; minus strand). Cytogenetic location: 4q33.
Variant type: single nucleotide variant.
Coding change: c.107A>G on transcript NM_001199397.3 (MANE Select); coding-DNA position 107, A replaced by G.
Protein change: p.Asn36Ser; replaces asparagine 36 with serine.
Molecular consequence: missense variant. On other transcripts: non-coding transcript variant (2).
Genome position (GRCh38, 1-based): chr4:169,602,524, T>C on the plus strand (A>G on the coding strand, the complement: NEK1 is on the minus strand). VCF-style: chr4-169602524-T-C. GRCh37 (hg19) VCF-style: chr4-170523675-T-C.
Other names: c.107A>G, p.Asn36Ser (NM_012224.4, NM_001199398.3, NM_001199399.3 and 7 more transcripts); short protein forms N36S.
Identifiers: ClinVar variation 981025 (VCV000981025.3), dbSNP rs1404362599, ClinGen allele CA358745852.
Genomic context (GRCh38, chr4:169,602,524, plus strand): 5'-CTATTGTAACTAAACCATTACTCATGAAACCAAACTAAAAATATACTTACTCTTGAGATG[T>C]TAATTTCCTTGATAACATACTGTCTGCCATCTTCTGTAGATTTAACAAGAATGGCTTTTC-3'
Protein context (NP_001186326.1, residues 26-46): DGRQYVIKEI[Asn36Ser]ISRMSSKERE